The following is an entry in ClinVar:

ClinVar aggregate classification (germline): Likely pathogenic (0 of 4 stars; one submission).

Conditions:
Colorectal cancer. Also called: Colorectal cancer, somatic; Malignant Colorectal Neoplasm. Identifiers: MedGen C0346629, MONDO:0005575, OMIM 114500.

Allele frequency attached by ClinVar (database versions not stated): gnomAD exomes 0.00006; gnomAD 0.00003 and 0.00004; TOPMed 0.00003; ExAC 0.00006.
gnomAD v4.1: 80 of 1,609,476 alleles (0.005%); highest among the groups gnomAD compares: Admixed American, 0.015%; no homozygotes.

Submission:

Division of Gastroenterology and Hepatology, Shanghai Institute of Digestive Disease, Shanghai Jiao Tong University School of Medicine.
Classification: Likely pathogenic for Colorectal cancer. Last evaluated: 2021-07-19. Review status: no assertion criteria provided. Collection method: research. Allele origin: germline. Inheritance: Autosomal dominant inheritance. Affected: yes. Observed: 1 variant allele, 1 heterozygote.
Comment: The Arg187Gln variant in SGK2 has been reported in 1 Chinese family with autosomal dominant predisposition in familial colorectal cancer (CRC).

NM_170693.3(SGK2):c.380G>A (p.Arg127Gln)

Gene: SGK2 (serum/glucocorticoid regulated kinase 2; plus strand). Cytogenetic location: 20q13.12.
Variant type: single nucleotide variant.
Coding change: c.380G>A on transcript NM_170693.3 (MANE Select); coding-DNA position 380, G replaced by A.
Protein change: p.Arg127Gln; replaces arginine 127 with glutamine.
Molecular consequence: missense variant.
Genome position (GRCh38, 1-based): chr20:43,570,636, G>A. VCF-style: chr20-43570636-G-A. GRCh37 (hg19) VCF-style: chr20-42199276-G-A.
Other names: c.380G>A, p.Arg127Gln (NM_001199264.2, NM_016276.5); short protein forms R127Q.
Identifiers: ClinVar variation 1183962 (VCV001183962.2), dbSNP rs35187177, ClinGen allele CA9866472.